The following is an entry in ClinVar:

ClinVar aggregate classification (germline): Uncertain significance (1 of 4 stars; one submission).

Conditions:
Parathyroid carcinoma (PRTC). Also called: Parathyroid gland carcinoma; CDC73-Related Parathyroid Carcinoma. Identifiers: Orphanet 143, MedGen C0687150, MONDO:0012004, OMIM 608266, HP:0006780.

Submission:

Labcorp Genetics (formerly Invitae), Labcorp
Classification: Uncertain significance for Parathyroid carcinoma. Last evaluated: 2022-03-21. Review status: criteria provided, single submitter. Criteria: Invitae Variant Classification Sherloc (09022015). Collection method: clinical testing. Allele origin: germline.
Comment: This sequence change replaces threonine, which is neutral and polar, with serine, which is neutral and polar, at codon 199 of the CDC73 protein (p.Thr199Ser). In summary, the available evidence is currently insufficient to determine the role of this variant in disease. Therefore, it has been classified as a Variant of Uncertain Significance. Algorithms developed to predict the effect of missense changes on protein structure and function (SIFT, PolyPhen-2, Align-GVGD) all suggest that this variant is likely to be tolerated. This variant has not been reported in the literature in individuals affected with CDC73-related conditions. This variant is not present in population databases (gnomAD no frequency).

NM_024529.5(CDC73):c.596C>G (p.Thr199Ser)

Gene: CDC73 (cell division cycle 73; plus strand). Cytogenetic location: 1q31.2.
Variant type: single nucleotide variant.
Coding change: c.596C>G on transcript NM_024529.5 (MANE Select); coding-DNA position 596, C replaced by G.
Protein change: p.Thr199Ser; replaces threonine 199 with serine.
Molecular consequence: missense variant.
Genome position (GRCh38, 1-based): chr1:193,141,933, C>G. VCF-style: chr1-193141933-C-G. GRCh37 (hg19) VCF-style: chr1-193111063-C-G.
Other names: short protein forms T199S.
Identifiers: ClinVar variation 2115067 (VCV002115067.4), dbSNP rs2103126224, ClinGen allele CA343962445.